The following is an entry in ClinVar:

NM_005188.4(CBL):c.43_44delinsCC (p.Ser15Pro)

Genes: CBL (Cbl proto-oncogene; plus strand), LOC130006895 (ATAC-STARR-seq lymphoblastoid silent region 3975; plus strand). Cytogenetic location: 11q23.3.
Variant type: Indel.
Coding change: c.43_44delinsCC on transcript NM_005188.4 (MANE Select); coding-DNA positions 43 to 44, AG replaced by CC.
Protein change: p.Ser15Pro; replaces serine 15 with proline.
Molecular consequence: missense variant.
Genome position (GRCh38, 1-based): chr11:119,206,460-119,206,461, AG replaced by CC. VCF-style: chr11-119206460-AG-CC. GRCh37 (hg19) VCF-style: chr11-119077170-AG-CC.
Other names: c.43_44delAGinsCC (NM_005188.3); short protein forms S15P.
Identifiers: ClinVar variation 543972 (VCV000543972.9), dbSNP rs1555225091, ClinGen allele CA658797812.

ClinVar aggregate classification (germline): Uncertain significance (1 of 4 stars; one submission).

Conditions:
RASopathy. Also called: Noonan spectrum disorder; rasopathies. Identifiers: Orphanet 536391, MedGen C5555857, MONDO:0021060.

Submission:

Labcorp Genetics (formerly Invitae), Labcorp
Classification: Uncertain significance for RASopathy. Last evaluated: 2024-02-17. Review status: criteria provided, single submitter. Criteria: Invitae Variant Classification Sherloc (09022015). Collection method: clinical testing. Allele origin: germline.
Comment: This sequence change replaces serine, which is neutral and polar, with proline, which is neutral and non-polar, at codon 15 of the CBL protein (p.Ser15Pro). Information on the frequency of this variant in the gnomAD database is not available, as this variant may be reported differently in the database. This variant has not been reported in the literature in individuals affected with CBL-related conditions. ClinVar contains an entry for this variant (Variation ID: 543972). An algorithm developed to predict the effect of missense changes on protein structure and function (PolyPhen-2) suggests that this variant is likely to be tolerated. In summary, the available evidence is currently insufficient to determine the role of this variant in disease. Therefore, it has been classified as a Variant of Uncertain Significance.